The following is an entry in ClinVar:

ClinVar aggregate classification (germline): Pathogenic (1 of 4 stars; one submission).

Conditions:
Intellectual disability, autosomal recessive 53 (NEDHSCA). Also called: GLYCOSYLPHOSPHATIDYLINOSITOL BIOSYNTHESIS DEFECT 13; Mental retardation, autosomal recessive 53; NEURODEVELOPMENTAL DISORDER WITH OR WITHOUT HYPOTONIA, SEIZURES, AND CEREBELLAR ATROPHY. Identifiers: Orphanet 488635, MedGen C4310794, MONDO:0014832, OMIM 616917.

Submission:

Labcorp Genetics (formerly Invitae), Labcorp
Classification: Pathogenic for Intellectual disability, autosomal recessive 53. Last evaluated: 2024-05-13. Review status: criteria provided, single submitter. Criteria: Invitae Variant Classification Sherloc (09022015). Collection method: clinical testing. Allele origin: germline.
Comment: This sequence change creates a premature translational stop signal (p.Lys779Asnfs*14) in the PIGG gene. It is expected to result in an absent or disrupted protein product. Loss-of-function variants in PIGG are known to be pathogenic (PMID: 26996948, 28581210, 28771251). This variant is not present in population databases (gnomAD no frequency). This variant has not been reported in the literature in individuals affected with PIGG-related conditions. ClinVar contains an entry for this variant (Variation ID: 2061428). For these reasons, this variant has been classified as Pathogenic.

Literature cited by the submitters: PubMed 26996948; PubMed 28581210; PubMed 28771251.

NM_001127178.3(PIGG):c.2334del (p.Lys779fs)

Gene: PIGG (phosphatidylinositol glycan anchor biosynthesis class G (EMM blood group); plus strand). Cytogenetic location: 4p16.3.
Variant type: Deletion.
Coding change: c.2334del on transcript NM_001127178.3 (MANE Select); coding-DNA position 2334, one base deleted (T; older notation c.2334delT).
Protein change: p.Lys779fs; shifts the reading frame from lysine 779.
Molecular consequence: frameshift variant. On other transcripts: non-coding transcript variant (6).
Genome position (GRCh38, 1-based): chr4:530,508, T deleted; the last of 2 consecutive T bases (chr4:530,507-530,508); deleting either gives the same sequence. VCF-style (leftmost placement, unchanged base first): chr4-530506-CT-C. GRCh37 (hg19) VCF-style: chr4-524295-CT-C.
Other names: c.2067del, p.Lys690fs (NM_001289051.2, NM_001345986.2); c.1935del, p.Lys646fs (NM_001289052.2); c.2043del, p.Lys682fs (NM_001345987.2); c.1305del, p.Lys436fs (NM_001345988.2); c.801del, p.Lys268fs (NM_001345990.2, NM_001345991.2); c.1236del, p.Lys413fs (NM_001345994.2); c.2310del, p.Lys771fs (NM_017733.5); short protein forms K268fs, K436fs, K690fs, K779fs, K413fs, K682fs, K646fs, K771fs.
Identifiers: ClinVar variation 2061428 (VCV002061428.3), dbSNP rs2475050873, ClinGen allele CA2580070639.